The following is an entry in ClinVar:

ClinVar aggregate classification (germline): Likely benign (0 of 4 stars; one submission).

Conditions:
ARID5B-related disorder. Also called: ARID5B-related condition.

Allele frequency attached by ClinVar (database versions not stated): TOPMed 0.00003; gnomAD 0.00005; ExAC 0.00010; gnomAD exomes 0.00012; ESP Exome Variant Server 0.00015.
gnomAD v4.1: 187 of 1,614,032 alleles (0.012%); highest among the groups gnomAD compares: Non-Finnish European, 0.015%; no homozygotes.

Submission:

PreventionGenetics, part of Exact Sciences
Classification: Likely benign for ARID5B-related condition. Last evaluated: 2021-05-25. Review status: no assertion criteria provided. Collection method: clinical testing. Allele origin: germline.
Comment: This variant is classified as likely benign based on ACMG/AMP sequence variant interpretation guidelines (Richards et al. 2015 PMID: 25741868, with internal and published modifications).

NM_032199.3(ARID5B):c.1497G>A (p.Gly499=)

Gene: ARID5B (AT-rich interaction domain 5B; plus strand). Cytogenetic location: 10q21.2.
Variant type: single nucleotide variant.
Coding change: c.1497G>A on transcript NM_032199.3 (MANE Select); coding-DNA position 1497, G replaced by A.
Protein change: p.Gly499=; no amino-acid change (glycine 499 retained).
Molecular consequence: synonymous variant.
Genome position (GRCh38, 1-based): chr10:62,090,960, G>A. VCF-style: chr10-62090960-G-A. GRCh37 (hg19) VCF-style: chr10-63850719-G-A.
Other names: c.768G>A, p.Gly256= (NM_001244638.2).
Identifiers: ClinVar variation 3054545 (VCV003054545.2), dbSNP rs150051374, ClinGen allele CA5515354.